The following is an entry in ClinVar:

NM_001903.5(CTNNA1):c.1063-1G>A

Gene: CTNNA1 (catenin alpha 1; plus strand). Cytogenetic location: 5q31.2.
Variant type: single nucleotide variant.
Coding change: c.1063-1G>A on transcript NM_001903.5 (MANE Select); the canonical splice acceptor site of the intron before coding-DNA position 1063, G replaced by A.
Molecular consequence: splice acceptor variant. On other transcripts: intron variant (2).
Genome position (GRCh38, 1-based): chr5:138,886,211, G>A. VCF-style: chr5-138886211-G-A. GRCh37 (hg19) VCF-style: chr5-138221900-G-A.
Other names: c.1063-1G>A (NM_001323982.2, NM_001323984.2, NM_001290307.3 and 4 more transcripts); c.694-1G>A (NM_001290310.3); c.754-1G>A (NM_001290309.3); c.-48-1G>A (NM_001323996.1, NM_001323993.1, NM_001324005.1 and 18 more transcripts); c.-445-1G>A (NM_001324007.1, NM_001324009.1, NM_001324006.1 and 1 more transcripts); c.-320-1G>A (NM_001324013.1); c.-58+10614G>A (NM_001324012.1); c.-61+10614G>A (NM_001324010.1).
Identifiers: ClinVar variation 2123610 (VCV002123610.6), dbSNP rs2532979790, ClinGen allele CA361132433.

ClinVar aggregate classification (germline): Uncertain significance. Review status: criteria provided, multiple submitters, no conflicts (2 of 4 stars). 2 submissions from 2 submitters: Uncertain significance (2). Last evaluated 2025-09-19.

Conditions:
Hereditary cancer-predisposing syndrome. Also called: Hereditary Cancer Syndrome; Tumor predisposition; Neoplastic Syndromes, Hereditary; Hereditary neoplastic syndrome. Identifiers: Orphanet 140162, MedGen C0027672, MeSH D009386, MONDO:0015356.

gnomAD v4.1: 1 of 1,608,534 alleles (0.000062%); no homozygotes.

Submissions (2):

Labcorp Genetics (formerly Invitae), Labcorp
Classification: Uncertain significance. Last evaluated: 2025-09-19. Review status: criteria provided, single submitter. Criteria: Invitae Variant Classification Sherloc (09022015). Collection method: clinical testing. Allele origin: germline.
Comment: This sequence change affects an acceptor splice site in intron 7 of the CTNNA1 gene. It is expected to disrupt RNA splicing. Variants that disrupt the donor or acceptor splice site typically lead to a loss of protein function (PMID: 16199547), and loss-of-function variants in CTNNA1 are known to be pathogenic (PMID: 32051609, 34425242). This variant is not present in population databases (gnomAD no frequency). This variant has not been reported in the literature in individuals affected with CTNNA1-related conditions. ClinVar contains an entry for this variant (Variation ID: 2123610). Studies have shown that disruption of this splice site is associated with inconclusive levels of altered splicing (internal data). In summary, the available evidence is currently insufficient to determine the role of this variant in disease. Therefore, it has been classified as a Variant of Uncertain Significance.

Ambry Genetics
Classification: Uncertain significance for Hereditary cancer-predisposing syndrome. Last evaluated: 2025-05-12. Review status: criteria provided, single submitter. Criteria: Ambry Variant Classification Scheme 2023. Collection method: clinical testing. Allele origin: germline.
Comment: The c.1063-1G>A intronic variant results from a G to A substitution one nucleotide upstream from coding exon 7 of the CTNNA1 gene. Alterations that disrupt the canonical splice site are expected to result in aberrant splicing. In silico splice site analysis predicts that this alteration will weaken the native splice acceptor site and will result in the creation or strengthening of a novel splice acceptor site. A resulting transcript is predicted to be in-frame and is not expected to trigger nonsense-mediated mRNAdecay; although, direct evidence is unavailable. This nucleotide position is highly conserved in available vertebrate species. Based on the available evidence, the clinical significance of this variant remains unclear.

Literature cited by the submitters: PubMed 16199547 (cited by Labcorp Genetics (formerly Invitae), Labcorp); PubMed 32051609 (cited by Labcorp Genetics (formerly Invitae), Labcorp); PubMed 34425242 (cited by Labcorp Genetics (formerly Invitae), Labcorp).